The following is an entry in ClinVar:

ClinVar aggregate classification (germline): Uncertain significance. Review status: criteria provided, multiple submitters, no conflicts (2 of 4 stars). 3 submissions from 3 submitters: Uncertain significance (3). Last evaluated 2024-10-04.

Conditions:
Severe combined immunodeficiency due to DNA-PKcs deficiency. Also called: IMMUNODEFICIENCY 26 WITH NEUROLOGIC ABNORMALITIES; Immunodeficiency 26 with or without neurologic abnormalities. Identifiers: Orphanet 317425, MedGen C4014833, MONDO:0014423, OMIM 615966.

Allele frequency attached by ClinVar (database versions not stated): ESP Exome Variant Server 0.00008; gnomAD exomes 0.00008 and 0.00013; ExAC 0.00015.
gnomAD v4.1: 118 of 1,613,330 alleles (0.0073%); highest among the groups gnomAD compares: South Asian, 0.087%; 3 homozygotes.

Submissions (3):

Blueprint Genetics
Classification: Uncertain significance. Last evaluated: 2024-10-04. Review status: criteria provided, single submitter. Criteria: ACMG Guidelines, 2015. Collection method: clinical testing. Allele origin: germline.

Women's Health and Genetics/Laboratory Corporation of America, LabCorp
Classification: Uncertain significance. Last evaluated: 2023-08-07. Review status: criteria provided, single submitter. Criteria: LabCorp Variant Classification Summary - May 2015. Collection method: clinical testing. Allele origin: germline.
Comment: Variant summary: PRKDC c.11588G>A (p.Arg3863His) results in a non-conservative amino acid change located in the Phosphatidylinositol 3-/4-kinase, catalytic domain (IPR000403) of the encoded protein sequence. Five of five in-silico tools predict a damaging effect of the variant on protein function. The variant allele was found at a frequency of 0.00013 in 247806 control chromosomes (no homozygotes), predominantly at a frequency of 0.00075 within the South Asian subpopulation in the gnomAD database. The observed variant frequency within South Asian control individuals in the gnomAD database is approximately 2 fold of the estimated maximal expected allele frequency for a pathogenic variant in PRKDC causing Severe Combined Immunodeficiency phenotype (0.00035), suggesting that the variant may a benign polymorphism found primarily in populations of South Asian origin. c.11588G>A has been reported in the literature in at least one compound heterozygous individual affected with leaky Severe Combined Immunodeficiency (e.g., Aluri_2019). These data do not allow any conclusion about variant significance. To our knowledge, no experimental evidence demonstrating an impact on protein function has been reported. The following publication was ascertained in the context of this evaluation (PMID: 30778343). One submitter has reported clinical-significance assessments for this variant to ClinVar after 2014 and has classified the variant as uncertain significance. Based on the evidence outlined above, the variant was classified as VUS-possibly benign.

Labcorp Genetics (formerly Invitae), Labcorp
Classification: Uncertain significance for Severe combined immunodeficiency due to DNA-PKcs deficiency. Last evaluated: 2022-04-10. Review status: criteria provided, single submitter. Criteria: Invitae Variant Classification Sherloc (09022015). Collection method: clinical testing. Allele origin: germline.
Comment: This sequence change replaces arginine, which is basic and polar, with histidine, which is basic and polar, at codon 3864 of the PRKDC protein (p.Arg3864His). This variant is present in population databases (rs373169292, gnomAD 0.08%). This missense change has been observed in individual(s) with severe combined immunodeficiency (PMID: 30778343). This variant is also known as p.R3863H. Experimental studies and prediction algorithms are not available or were not evaluated, and the functional significance of this variant is currently unknown. In summary, the available evidence is currently insufficient to determine the role of this variant in disease. Therefore, it has been classified as a Variant of Uncertain Significance.

Literature cited by the submitters: PubMed 30778343 (cited by Women's Health and Genetics/Laboratory Corporation of America, LabCorp and Labcorp Genetics (formerly Invitae), Labcorp).

NM_006904.7(PRKDC):c.11591G>A (p.Arg3864His)

Gene: PRKDC (protein kinase, DNA-activated, catalytic subunit; minus strand). Cytogenetic location: 8q11.21.
Variant type: single nucleotide variant.
Coding change: c.11591G>A on transcript NM_006904.7 (MANE Select); coding-DNA position 11591, G replaced by A.
Protein change: p.Arg3864His; replaces arginine 3864 with histidine.
Molecular consequence: missense variant.
Genome position (GRCh38, 1-based): chr8:47,778,788, C>T on the plus strand (G>A on the coding strand, the complement: PRKDC is on the minus strand). VCF-style: chr8-47778788-C-T. GRCh37 (hg19) VCF-style: chr8-48691349-C-T.
Other names: c.11498G>A, p.Arg3833His (NM_001081640.2); c.11591G>A (NM_006904.6); short protein forms R3833H, R3864H.
Identifiers: ClinVar variation 1439762 (VCV001439762.6), dbSNP rs373169292, ClinGen allele CA4739045.